The following continues an entry in ClinVar:

NM_000243.3(MEFV):c.2177T>C (p.Val726Ala)

Gene: MEFV. ClinVar aggregate classification (germline): Pathogenic/Likely pathogenic. Pathogenic (44); Likely pathogenic (6).

Submissions 9 to 25 of 61:

Center for Genomic Medicine, Rigshospitalet, Copenhagen University Hospital
Classification: Pathogenic. Last evaluated: 2025-12-29. Review status: criteria provided, single submitter. Criteria: ACMG Guidelines, 2015. Collection method: clinical testing. Allele origin: germline.

3billion
Classification: Pathogenic for Familial Mediterranean fever. Last evaluated: 2025-12-16. Review status: criteria provided, single submitter. Criteria: ACMG Guidelines, 2015. Collection method: clinical testing. Allele origin: germline. Affected: yes.
Comment: The variant is observed at an extremely low frequency in the gnomAD v4.1.0 dataset (total allele frequency: 0.131%). Predicted Consequence/Location: Missense variant Functional studies provide strong evidence of the variant having a damaging effect on the gene or gene product (PMID: 21600797). The same nucleotide change resulting in the same amino acid change has been previously reported as pathogenic/likely pathogenic with strong evidence (ClinVar ID: VCV000002540 /PMID: 9288758 /3billion dataset). The variant has been reported to be in trans with a pathogenic variant as either compound heterozygous or homozygous in at least 2 similarly affected unrelated individuals (3billion dataset). The variant has been reported to co-segregate with the disease in at least 3 similarly affected relatives/individuals in the same family or similarly affected unrelated families (PMID: 11977178). Therefore, this variant is classified as Pathogenic according to the recommendation of ACMG/AMP guideline.

Dasa
Classification: Pathogenic. Last evaluated: 2025-11-03. Review status: criteria provided, single submitter. Criteria: DASA Assertion Criteria. Collection method: clinical testing. Allele origin: germline.
Comment: NM_000243.3(MEFV):c.2177T>C (p.Val726Ala) is a missense variant that results in the substitution of valine with alanine. The affected residue or protein region has prior evidence supporting clinical relevance. This variant has been observed in affected individuals with related phenotype in a genotype context consistent with recessive disease (PMID: 21600797; PMID: 10879615; PMID: 11977178; PMID: 9288758; PMID: 23907647). Functional evidence supports a deleterious effect on the gene or gene product (PMID: 21600797; PMID: 10879615; PMID: 11977178; PMID: 9288758; PMID: 23907647). This variant has been recurrently observed in individuals with related phenotype (PMID: 21600797; PMID: 10879615; PMID: 11977178; PMID: 9288758; PMID: 23907647). Based on the available data, this variant is classified as pathogenic.

ARUP Laboratories, Molecular Genetics and Genomics, ARUP Laboratories
Classification: Pathogenic. Last evaluated: 2025-07-23. Review status: criteria provided, single submitter. Criteria: ARUP Molecular Germline Variant Investigation Process 2024. Collection method: clinical testing. Allele origin: germline.
Comment: The MEFV c.2177T>C; p.Val726Ala variant (rs28940579, ClinVar Variation ID: 2540) has been published in the literature in individuals with familial Mediterranean fever, juvenile idiopathic arthritis, ankylosing spondylitis, systemic lupus erythematosus and multiple sclerosis with or without another pathogenic variant (Camus 2012, Comack 2013, Cosan 2010, Shinar 2012, Unal 2010). This variant is found in the general population at an overall frequency of 0.19% (561/282870 alleles) in the Genome Aggregation Database (v2.1.1). Based on available information, this variant is considered to be pathogenic. Camus D et al. 'Silent' carriage of two familial Mediterranean fever gene mutations in large families with only a single identified patient. Clin Genet. 2012 82(3):288-91. PMID: 21995303. Comak E et al. MEFV gene mutations in Turkish children with juvenile idiopathic arthritis. Eur J Pediatr. 2013 172(8):1061-7. PMID: 23588594. Cosan F et al. Association of familial Mediterranean fever-related MEFV variations with ankylosing spondylitis. Arthritis Rheum. 2010 62(11):3232-6. PMID: 20669279. Shinar Y et al. Familial Mediterranean FeVer gene (MEFV) mutations as a modifier of systemic lupus erythematosus. Lupus. 2012 21(9):993-8. PMID: 22532615. Unal A et al. Evaluation of common mutations in the Mediterranean fever gene in Multiple Sclerosis patients: is it a susceptibility gene? J Neurol Sci. 2010 294(1-2):38-42. PMID: 20483145.

First Genomix Gene Laboratory, Genetic Diagnostics Department
Classification: Pathogenic for Familial Mediterranean fever. Last evaluated: 2025-04-08. Review status: criteria provided, single submitter. Criteria: ACMG Guidelines, 2015. Collection method: clinical testing. Allele origin: germline. Inheritance: Autosomal recessive inheritance. Affected: no. Observed: 1 variant allele.

Revvity Omics, Revvity
Classification: Likely pathogenic. Last evaluated: 2025-03-27. Review status: criteria provided, single submitter. Criteria: ACMG Guidelines, 2015. Collection method: clinical testing. Allele origin: germline.

Bioscientia Institut fuer Medizinische Diagnostik GmbH, Sonic Healthcare
Classification: Pathogenic for Familial Mediterranean fever. Last evaluated: 2025-03-06. Review status: criteria provided, single submitter. Criteria: ACMG Guidelines, 2015. Collection method: clinical testing. Allele origin: germline. Affected: yes.

Blueprint Genetics
Classification: Pathogenic for MEFV-related disorders. Last evaluated: 2024-11-22. Review status: criteria provided, single submitter. Criteria: ACMG Guidelines, 2015. Collection method: clinical testing. Allele origin: germline. Affected: yes. Observed: 5 variant alleles.

Genomic Medicine Center of Excellence, King Faisal Specialist Hospital and Research Centre
Classification: Likely pathogenic for Familial Mediterranean fever. Last evaluated: 2024-04-04. Review status: criteria provided, single submitter. Criteria: ACMG Guidelines, 2015. Collection method: clinical testing. Allele origin: germline.

Baylor Genetics
Classification: Pathogenic for Familial Mediterranean fever, autosomal dominant. Last evaluated: 2024-03-30. Review status: criteria provided, single submitter. Criteria: ACMG Guidelines, 2015. Collection method: clinical testing. Allele origin: unknown.

Clinical Genetics Laboratory, Skane University Hospital Lund
Classification: Pathogenic. Last evaluated: 2024-02-19. Review status: criteria provided, single submitter. Criteria: ACMG Guidelines, 2015. Collection method: clinical testing. Allele origin: germline. Affected: yes.

Laboratory of Medical Genetics, National & Kapodistrian University of Athens
Classification: Pathogenic for Familial Mediterranean fever. Last evaluated: 2024-02-01. Review status: criteria provided, single submitter. Criteria: ACMG Guidelines, 2015. Collection method: curation. Allele origin: germline. Affected: no.

Ambry Genetics
Classification: Pathogenic for Inborn genetic diseases. Last evaluated: 2023-09-22. Review status: criteria provided, single submitter. Criteria: Ambry Variant Classification Scheme 2023. Collection method: clinical testing. Allele origin: germline.
Comment: The c.2177T>C (p.V726A) alteration is located in exon 10 of the MEFV gene. This alteration results from a T to C substitution at nucleotide position 2177, causing the valine (V) at amino acid position 726 to be replaced by an alanine (A). Based on data from gnomAD, the C allele has an overall frequency of 0.2% (561/282870) total alleles studied. The highest observed frequency was 3.93% (407/10368) of Ashkenazi Jewish alleles. This alteration is considered to be one of five common founder mutations in a number of ethnic populations, including Ashkenazi Jewish, and is associated with a milder familial Mediterranean fever (FMF) phenotype (Touitou, 2001). This alteration has been seen in FMF patients both in heterozygous form and in combination with a second MEFV alteration (Moradian, 2010). This amino acid position is poorly conserved in available vertebrate species. The p.V726 amino acid is located in the PRYSPRY domain of the pyrin protein, which is a globular domain with a binding cavity. 3-D modeling showed that V726 is located on a loop further away from the binding cavity in the lower part of the PRYSPRY domain, and altering it may affect either interaction with other molecules or the folding of this part of the domain (Goulielmos, 2006). This alteration is predicted to be tolerated by in silico analysis. Based on the available evidence, this alteration is classified as pathogenic.

Department of Pathology and Laboratory Medicine, Sinai Health System
Classification: Pathogenic for Familial Mediterranean fever, autosomal dominant; Acute febrile neutrophilic dermatosis; Familial Mediterranean fever. Last evaluated: 2023-08-17. Review status: criteria provided, single submitter. Criteria: ACMG Guidelines, 2015. Collection method: research. Allele origin: germline.

Molecular Genetics, Royal Melbourne Hospital
Classification: Pathogenic for Familial Mediterranean fever. Last evaluated: 2023-04-11. Review status: criteria provided, single submitter. Criteria: ACMG Guidelines, 2015. Collection method: clinical testing. Allele origin: germline. Affected: yes.
Comment: This sequence change in MEFV is predicted to replace valine with alanine at codon 726, p.(Val726Ala). The valine residue is weakly /conserved (11/97 vertebrates, UCSC), and is located in the SPRY domain. There is a moderate physicochemical difference between valine and alanine. The highest population minor allele frequency in the population database gnomAD v2.1 is 3.9% (407/10,368 alleles, 8 homozygotes) in the Ashkenazi Jewish population, while the highest continental population frequency is 0.09% (115/129,180 alleles, 1 homozygote) in the European (non-Finnish) population. This is the third most commonly occurring variant reported in familial Mediterranean fever (FMF) cases (PMID: 36076017). It has been identified in individuals with FMF in the homozygous state and compound heterozygous with a second pathogenic variant, and segregates with disease in multiple families (PMID: 11977178, 21995303, 34988684). However, the variant is also commonly detected as a single heterozygous variant when autosomal recessive inheritance is expected suggesting missing heritability (PMID: 20301405). A homozygous FMF-knock-in mouse model of the variant induces spontaneous inflammation that is similar to or more severe that the inflammation observed in FMF patients (PMID: 21600797). Multiple lines of computational evidence predict a benign effect for the missense substitution (6/6 algorithms). Based on the classification scheme RMH Modified ACMG Guidelines v1.5.1, this variant is classified as PATHOGENIC. Following criteria are met: PM3_VeryStrong, PP1_Strong, BP4.

Mayo Clinic Laboratories, Mayo Clinic
Classification: Pathogenic. Last evaluated: 2022-09-14. Review status: criteria provided, single submitter. Criteria: ACMG Guidelines, 2015. Collection method: clinical testing. Allele origin: germline. Observed: 19 variant alleles.
Comment: PM3, PS3, PS4

MGZ Medical Genetics Center
Classification: Pathogenic for Familial Mediterranean fever. Last evaluated: 2022-08-01. Review status: criteria provided, single submitter. Criteria: ACMG Guidelines, 2015. Collection method: clinical testing. Allele origin: germline. Affected: yes. Observed: 5 variant alleles.
Comment: ACMG criteria applied: PM3_STR, PS3_MOD, PS4_MOD, PM1, PP1